The following is an entry in ClinVar:

NM_004415.4(DSP):c.6219A>G (p.Ile2073Met)

Gene: DSP (desmoplakin; plus strand). Cytogenetic location: 6p24.3.
Variant type: single nucleotide variant.
Coding change: c.6219A>G on transcript NM_004415.4 (MANE Select); coding-DNA position 6219, A replaced by G.
Protein change: p.Ile2073Met; replaces isoleucine 2073 with methionine.
Molecular consequence: missense variant.
Genome position (GRCh38, 1-based): chr6:7,583,481, A>G. VCF-style: chr6-7583481-A-G. GRCh37 (hg19) VCF-style: chr6-7583714-A-G.
Other names: c.4422A>G, p.Ile1474Met (NM_001008844.3); c.4890A>G, p.Ile1630Met (NM_001319034.2); short protein forms I1474M, I1630M, I2073M.
Identifiers: ClinVar variation 3755852 (VCV003755852.2).

ClinVar aggregate classification (germline): Uncertain significance (1 of 4 stars; one submission).

Conditions:
Arrhythmogenic right ventricular dysplasia 8 (ARVD8). Also called: Arrhythmogenic Right Ventricular Dysplasia/Cardiomyopathy 8; ARRHYTHMOGENIC RIGHT VENTRICULAR DYSPLASIA, FAMILIAL, 8; ARRHYTHMOGENIC RIGHT VENTRICULAR CARDIOMYOPATHY 8. Identifiers: MedGen C1843896, MONDO:0011831, OMIM 607450.
Arrhythmogenic cardiomyopathy with wooly hair and keratoderma. Also called: PALMOPLANTAR KERATODERMA WITH LEFT VENTRICULAR CARDIOMYOPATHY AND WOOLLY HAIR; Carvajal syndrome; Dilated cardiomyopathy with woolly hair and keratoderma; Arrhythmogenic cardiomyopathy with woolly hair and keratoderma. Identifiers: Orphanet 65282, MedGen C1854063, MONDO:0011581, OMIM 605676.

Submission:

Labcorp Genetics (formerly Invitae), Labcorp
Classification: Uncertain significance for Arrhythmogenic cardiomyopathy with wooly hair and keratoderma; Arrhythmogenic right ventricular dysplasia 8. Last evaluated: 2024-04-15. Review status: criteria provided, single submitter. Criteria: Invitae Variant Classification Sherloc (09022015). Collection method: clinical testing. Allele origin: germline.
Comment: This sequence change replaces isoleucine, which is neutral and non-polar, with methionine, which is neutral and non-polar, at codon 2073 of the DSP protein (p.Ile2073Met). This variant is not present in population databases (gnomAD no frequency). This variant has not been reported in the literature in individuals affected with DSP-related conditions. An algorithm developed to predict the effect of missense changes on protein structure and function (PolyPhen-2) suggests that this variant is likely to be tolerated. In summary, the available evidence is currently insufficient to determine the role of this variant in disease. Therefore, it has been classified as a Variant of Uncertain Significance.